The following is an entry in ClinVar:

ClinVar aggregate classification (germline): Uncertain significance. Review status: criteria provided, multiple submitters, no conflicts (2 of 4 stars). 2 submissions from 2 submitters: Uncertain significance (2). Last evaluated 2025-09-26.

Conditions:
Inborn genetic diseases. Identifiers: MedGen C0950123, MeSH D030342.

Allele frequency attached by ClinVar (database versions not stated): gnomAD exomes below 0.00001; gnomAD 0.00002; TOPMed 0.00002.
gnomAD v4.1: 8 of 1,550,506 alleles (0.00052%); highest among the groups gnomAD compares: African/African-American, 0.0041%; no homozygotes.

Submissions (2):

Ambry Genetics
Classification: Uncertain significance for Inborn genetic diseases. Last evaluated: 2025-09-26. Review status: criteria provided, single submitter. Criteria: Ambry Variant Classification Scheme 2023. Collection method: clinical testing. Allele origin: germline.

Labcorp Genetics (formerly Invitae), Labcorp
Classification: Uncertain significance. Last evaluated: 2024-11-05. Review status: criteria provided, single submitter. Criteria: Invitae Variant Classification Sherloc (09022015). Collection method: clinical testing. Allele origin: germline.
Comment: This sequence change replaces tyrosine, which is neutral and polar, with cysteine, which is neutral and slightly polar, at codon 607 of the EYS protein (p.Tyr607Cys). This variant is not present in population databases (gnomAD no frequency). This variant has not been reported in the literature in individuals affected with EYS-related conditions. ClinVar contains an entry for this variant (Variation ID: 1431448). Invitae Evidence Modeling of protein sequence and biophysical properties (such as structural, functional, and spatial information, amino acid conservation, physicochemical variation, residue mobility, and thermodynamic stability) indicates that this missense variant is not expected to disrupt EYS protein function with a negative predictive value of 80%. In summary, the available evidence is currently insufficient to determine the role of this variant in disease. Therefore, it has been classified as a Variant of Uncertain Significance.

NM_001142800.2(EYS):c.1820A>G (p.Tyr607Cys)

Gene: EYS (EGF-like photoreceptor maintenance factor; minus strand). Cytogenetic location: 6q12.
Variant type: single nucleotide variant.
Coding change: c.1820A>G on transcript NM_001142800.2 (MANE Select); coding-DNA position 1820, A replaced by G.
Protein change: p.Tyr607Cys; replaces tyrosine 607 with cysteine.
Molecular consequence: missense variant.
Genome position (GRCh38, 1-based): chr6:65,296,066, T>C on the plus strand (A>G on the coding strand, the complement: EYS is on the minus strand). VCF-style: chr6-65296066-T-C. GRCh37 (hg19) VCF-style: chr6-66005959-T-C.
Other names: c.1820A>G (NM_001142800.1); c.1820A>G, p.Tyr607Cys (NM_001292009.2); short protein forms Y607C.
Identifiers: ClinVar variation 1431448 (VCV001431448.8), dbSNP rs777062237, ClinGen allele CA139804038.